The following is an entry in ClinVar:

NM_001288705.3(CSF1R):c.1666T>A (p.Tyr556Asn)

Gene: CSF1R (colony stimulating factor 1 receptor; minus strand). Cytogenetic location: 5q32.
Variant type: single nucleotide variant.
Coding change: c.1666T>A on transcript NM_001288705.3 (MANE Select); coding-DNA position 1666, T replaced by A.
Protein change: p.Tyr556Asn; replaces tyrosine 556 with asparagine.
Molecular consequence: missense variant. On other transcripts: non-coding transcript variant (2).
Genome position (GRCh38, 1-based): chr5:150,061,810, A>T on the plus strand (T>A on the coding strand, the complement: CSF1R is on the minus strand). VCF-style: chr5-150061810-A-T. GRCh37 (hg19) VCF-style: chr5-149441373-A-T.
Other names: c.1666T>A, p.Tyr556Asn (NM_001349736.2, NM_001375320.1, NM_005211.4); c.1222T>A, p.Tyr408Asn (NM_001375321.1); short protein forms Y408N, Y556N.
Identifiers: ClinVar variation 4999623 (VCV004999623.1).

ClinVar aggregate classification (germline): Uncertain significance (1 of 4 stars; one submission).

Conditions:
CSF1R-related disorder. Also called: CSF1R-related condition. Identifiers: MedGen CN379780, MONDO:0100632.

gnomAD v4.1: 1 of 1,614,192 alleles (0.000062%); highest among the groups gnomAD compares: Non-Finnish European, 0.000085%; no homozygotes.

Submission:

PreventionGenetics, part of Exact Sciences
Classification: Uncertain significance for CSF1R-related condition. Last evaluated: 2026-09-02. Review status: criteria provided, single submitter. Criteria: ACMG Guidelines, 2015. Collection method: clinical testing. Allele origin: germline.
Comment: The CSF1R c.1666T>A variant is predicted to result in the amino acid substitution p.Tyr556Asn. To our knowledge, this variant has not been reported in the literature or in a large population database (gnomAD), indicating this variant is rare. At this time, the clinical significance of this variant is uncertain due to the absence of conclusive functional and genetic evidence.